The following is an entry in ClinVar:

ClinVar aggregate classification (germline): Uncertain significance. Review status: criteria provided, multiple submitters, no conflicts (2 of 4 stars). 5 submissions from 5 submitters: Uncertain significance (5). Last evaluated 2026-09-01.

Allele frequency attached by ClinVar (database versions not stated): 1000 Genomes Project 0.00020; 1000 Genomes Project 30x 0.00031; ESP Exome Variant Server 0.00054.
gnomAD v4.1: 741 of 1,600,674 alleles (0.046%); highest among the groups gnomAD compares: Non-Finnish European, 0.058%; 1 homozygote.

Submissions (5):

CeGaT Center for Human Genetics Tuebingen
Classification: Uncertain significance. Last evaluated: 2026-09-01. Review status: criteria provided, single submitter. Criteria: CeGaT Center For Human Genetics Tuebingen Variant Classification Criteria Version 2. Collection method: clinical testing. Allele origin: germline. Affected: yes. Observed: 1 variant allele.
Comment: AEBP1: PM2:Supporting, PP3

GeneDx
Classification: Uncertain significance. Last evaluated: 2026-02-24. Review status: criteria provided, single submitter. Criteria: GeneDx Variant Classification Process June 2021. Collection method: clinical testing. Allele origin: germline.
Comment: In silico analysis supports that this missense variant has a deleterious effect on protein structure/function; Has not been previously published as pathogenic or benign to our knowledge

Women's Health and Genetics/Laboratory Corporation of America, LabCorp
Classification: Uncertain significance. Last evaluated: 2025-11-28. Review status: criteria provided, single submitter. Criteria: LabCorp Variant Classification Summary - May 2015. Collection method: clinical testing. Allele origin: germline.
Comment: Variant summary: AEBP1 c.267G>C (p.Lys89Asn) results in a non-conservative amino acid change in the encoded protein sequence. Algorithms developed to predict the effect of missense changes on protein structure and function all suggest that this variant is likely to be disruptive. The variant allele was found at a frequency of 0.0003 in 229848 control chromosomes. This frequency is not significantly higher than estimated for disease-causing variants in AEBP1, allowing no conclusion about variant significance. To our knowledge, no occurrence of c.267G>C in individuals affected with AEBP1-related conditions and no experimental evidence demonstrating its impact on protein function have been reported. ClinVar contains an entry for this variant (Variation ID: 1490068). Based on the evidence outlined above, the variant was classified as uncertain significance.

Mayo Clinic Laboratories, Mayo Clinic
Classification: Uncertain significance. Last evaluated: 2025-11-23. Review status: criteria provided, single submitter. Criteria: ACMG Guidelines, 2015. Collection method: clinical testing. Allele origin: germline. Observed: 2 variant alleles.
Comment: BP4_moderate

Labcorp Genetics (formerly Invitae), Labcorp
Classification: Uncertain significance. Last evaluated: 2022-04-17. Review status: criteria provided, single submitter. Criteria: Invitae Variant Classification Sherloc (09022015). Collection method: clinical testing. Allele origin: germline.
Comment: This sequence change replaces lysine, which is basic and polar, with asparagine, which is neutral and polar, at codon 89 of the AEBP1 protein (p.Lys89Asn). This variant is present in population databases (rs139078339, gnomAD 0.05%). This variant has not been reported in the literature in individuals affected with AEBP1-related conditions. Algorithms developed to predict the effect of missense changes on protein structure and function are either unavailable or do not agree on the potential impact of this missense change (SIFT: "Deleterious"; PolyPhen-2: "Not Available"; Align-GVGD: "Class C0"). In summary, the available evidence is currently insufficient to determine the role of this variant in disease. Therefore, it has been classified as a Variant of Uncertain Significance.

NM_001129.5(AEBP1):c.267G>C (p.Lys89Asn)

Gene: AEBP1 (AE binding protein 1; plus strand). Cytogenetic location: 7p13.
Variant type: single nucleotide variant.
Coding change: c.267G>C on transcript NM_001129.5 (MANE Select); coding-DNA position 267, G replaced by C.
Protein change: p.Lys89Asn; replaces lysine 89 with asparagine.
Molecular consequence: missense variant.
Genome position (GRCh38, 1-based): chr7:44,106,559, G>C. VCF-style: chr7-44106559-G-C. GRCh37 (hg19) VCF-style: chr7-44146158-G-C.
Other names: p.Lys89Asn; c.267G>C (NM_001129.4); short protein forms K89N.
Identifiers: ClinVar variation 1490068 (VCV001490068.11), dbSNP rs139078339, ClinGen allele CA4237454.